The following is an entry in ClinVar:

NM_005618.4(DLL1):c.1363G>A (p.Gly455Arg)

Gene: DLL1 (delta like canonical Notch ligand 1; minus strand). Cytogenetic location: 6q27.
Variant type: single nucleotide variant.
Coding change: c.1363G>A on transcript NM_005618.4 (MANE Select); coding-DNA position 1363, G replaced by A.
Protein change: p.Gly455Arg; replaces glycine 455 with arginine.
Molecular consequence: missense variant.
Genome position (GRCh38, 1-based): chr6:170,283,916, C>T on the plus strand (G>A on the coding strand, the complement: DLL1 is on the minus strand). VCF-style: chr6-170283916-C-T. GRCh37 (hg19) VCF-style: chr6-170593004-C-T.
Other names: short protein forms G455R.
Identifiers: ClinVar variation 2285867 (VCV002285867.4), dbSNP rs777016922, ClinGen allele CA4106842.
Genomic context (GRCh38, chr6:170,283,916, plus strand): 5'-CCGTGTAGCCAGGCGGGCAGGTGCAGGAGAAGTCGTTCACGCCATCCCGGCAGGTGCCCC[C>T]GTTGGCGCACGGGGAGGAGGCGCAGTCGTCCACGTTGTCGTCACAGTGCCTCCCCGAGAA-3'
Protein context (NP_005609.3, residues 445-465): DDCASSPCAN[Gly455Arg]GTCRDGVNDF

ClinVar aggregate classification (germline): Uncertain significance. Review status: criteria provided, multiple submitters, no conflicts (2 of 4 stars). 2 submissions from 2 submitters: Uncertain significance (2). Last evaluated 2024-05-23.

Conditions:
Inborn genetic diseases. Identifiers: MedGen C0950123, MeSH D030342.

Allele frequency attached by ClinVar (database versions not stated): gnomAD exomes 0.00002; ExAC 0.00010.
gnomAD v4.1: 36 of 1,601,286 alleles (0.0022%); highest among the groups gnomAD compares: South Asian, 0.022%; no homozygotes.

Submissions (2):

Labcorp Genetics (formerly Invitae), Labcorp
Classification: Uncertain significance. Last evaluated: 2024-05-23. Review status: criteria provided, single submitter. Criteria: Invitae Variant Classification Sherloc (09022015). Collection method: clinical testing. Allele origin: germline.
Comment: This sequence change replaces glycine, which is neutral and non-polar, with arginine, which is basic and polar, at codon 455 of the DLL1 protein (p.Gly455Arg). This variant is present in population databases (rs777016922, gnomAD 0.03%). This variant has not been reported in the literature in individuals affected with DLL1-related conditions. ClinVar contains an entry for this variant (Variation ID: 2285867). An algorithm developed to predict the effect of missense changes on protein structure and function (PolyPhen-2) suggests that this variant is likely to be disruptive. In summary, the available evidence is currently insufficient to determine the role of this variant in disease. Therefore, it has been classified as a Variant of Uncertain Significance.

Ambry Genetics
Classification: Uncertain significance for Inborn genetic diseases. Last evaluated: 2022-04-25. Review status: criteria provided, single submitter. Criteria: Ambry Variant Classification Scheme 2023. Collection method: clinical testing. Allele origin: germline.